The following is an entry in ClinVar:

NM_000256.3(MYBPC3):c.1447C>T (p.Gln483Ter)

Gene: MYBPC3 (myosin binding protein C3; minus strand). Cytogenetic location: 11p11.2.
Variant type: single nucleotide variant.
Coding change: c.1447C>T on transcript NM_000256.3 (MANE Select); coding-DNA position 1447, C replaced by T.
Protein change: p.Gln483Ter; replaces glutamine 483 with a stop codon.
Molecular consequence: nonsense.
Genome position (GRCh38, 1-based): chr11:47,342,840, G>A on the plus strand (C>T on the coding strand, the complement: MYBPC3 is on the minus strand). VCF-style: chr11-47342840-G-A. GRCh37 (hg19) VCF-style: chr11-47364391-G-A.
Other names: short protein forms Q483*.
Identifiers: ClinVar variation 1772817 (VCV001772817.7), dbSNP rs730880541, ClinGen allele CA010317.

ClinVar aggregate classification (germline): Pathogenic. Review status: criteria provided, multiple submitters, no conflicts (2 of 4 stars). 2 submissions from 2 submitters: Pathogenic (2). Last evaluated 2023-10-08.

Conditions:
Hypertrophic cardiomyopathy. Also called: HYPERTROPHIC MYOCARDIOPATHY. Identifiers: Orphanet 217569, MedGen C0007194, MeSH D002312, MONDO:0005045, HP:0001639.
Cardiovascular phenotype. Identifiers: MedGen CN230736.

Allele frequency attached by ClinVar (database versions not stated): gnomAD exomes below 0.00001.
gnomAD v4.1: 1 of 1,612,498 alleles (0.000062%); highest among the groups gnomAD compares: Non-Finnish European, 0.000085%; no homozygotes.

Submissions (2):

Labcorp Genetics (formerly Invitae), Labcorp
Classification: Pathogenic for Hypertrophic cardiomyopathy. Last evaluated: 2023-10-08. Review status: criteria provided, single submitter. Criteria: Invitae Variant Classification Sherloc (09022015). Collection method: clinical testing. Allele origin: germline.
Comment: This sequence change creates a premature translational stop signal (p.Gln483*) in the MYBPC3 gene. It is expected to result in an absent or disrupted protein product. Loss-of-function variants in MYBPC3 are known to be pathogenic (PMID: 19574547). This variant is not present in population databases (gnomAD no frequency). This premature translational stop signal has been observed in individual(s) with hypertrophic cardiomyopathy (PMID: 33673806). ClinVar contains an entry for this variant (Variation ID: 1772817). Algorithms developed to predict the effect of sequence changes on RNA splicing suggest that this variant may create or strengthen a splice site. For these reasons, this variant has been classified as Pathogenic.

Ambry Genetics
Classification: Pathogenic for Cardiovascular phenotype. Last evaluated: 2022-08-25. Review status: criteria provided, single submitter. Criteria: Ambry Variant Classification Scheme 2023. Collection method: clinical testing. Allele origin: germline.
Comment: The p.Q483* pathogenic mutation (also known as c.1447C>T), located in coding exon 16 of the MYBPC3 gene, results from a C to T substitution at nucleotide position 1447. This changes the amino acid from a glutamine to a stop codon within coding exon 16. This variant has been detected in a cohort referred for hypertrophic cardiomyopathy genetic testing (Hathaway J et al. BMC Cardiovasc Disord, 2021 03;21:126). This variant is considered to be rare based on population cohorts in the Genome Aggregation Database (gnomAD). This alteration is expected to result in loss of function by premature protein truncation or nonsense-mediated mRNA decay. As such, this alteration is interpreted as a disease-causing mutation.

Literature cited by the submitters: PubMed 19574547 (cited by Labcorp Genetics (formerly Invitae), Labcorp); PubMed 33673806 (cited by Labcorp Genetics (formerly Invitae), Labcorp and Ambry Genetics).